The following is an entry in ClinVar:

ClinVar aggregate classification (germline): Uncertain significance (1 of 4 stars; one submission).

Conditions:
Congenital portosystemic shunt. Identifiers: Orphanet 480531, MedGen C1290495, MONDO:0018811.

Submission:

Department of Pediatrics, Graduate School of Medical Sciences, Kyushu University
Classification: Uncertain significance for Congenital portosystemic shunt. Last evaluated: 2026-02-27. Review status: criteria provided, single submitter. Criteria: ACMG Guidelines, 2015. Collection method: research. Allele origin: de novo. Affected: yes.
Comment: The variant is rare in population databases and in silico prediction tools, including CADD, suggest a potential deleterious effect on protein function. However, the association between this gene and CPSS has not been established. Therefore, the clinical significance of this variant is currently classified as a variant of uncertain significance (VUS).

NM_003566.4(EEA1):c.1898G>A (p.Ser633Asn)

Gene: EEA1 (early endosome antigen 1; minus strand). Cytogenetic location: 12q22.
Variant type: single nucleotide variant.
Coding change: c.1898G>A on transcript NM_003566.4 (MANE Select); coding-DNA position 1898, G replaced by A.
Protein change: p.Ser633Asn; replaces serine 633 with asparagine.
Molecular consequence: missense variant.
Genome position (GRCh38, 1-based): chr12:92,816,231, C>T on the plus strand (G>A on the coding strand, the complement: EEA1 is on the minus strand). VCF-style: chr12-92816231-C-T. GRCh37 (hg19) VCF-style: chr12-93210007-C-T.
Other names: short protein forms S633N.
Identifiers: ClinVar variation 4813087 (VCV004813087.1).